The following is an entry in ClinVar:

ClinVar aggregate classification (germline): Uncertain significance (1 of 4 stars; one submission).

gnomAD v4.1: 1 of 1,614,094 alleles (0.000062%); no homozygotes.

Submission:

CeGaT Center for Human Genetics Tuebingen
Classification: Uncertain significance. Last evaluated: 2023-02-01. Review status: criteria provided, single submitter. Criteria: CeGaT Center For Human Genetics Tuebingen Variant Classification Criteria Version 2. Collection method: clinical testing. Allele origin: germline. Affected: yes. Observed: 1 variant allele.
Comment: OTX2: PM2

NM_021728.4(OTX2):c.459C>A (p.Ser153Arg)

Gene: OTX2 (orthodenticle homeobox 2; minus strand). Cytogenetic location: 14q22.3.
Variant type: single nucleotide variant.
Coding change: c.459C>A on transcript NM_021728.4 (MANE Select); coding-DNA position 459, C replaced by A.
Protein change: p.Ser153Arg; replaces serine 153 with arginine.
Molecular consequence: missense variant. On other transcripts: non-coding transcript variant (2).
Genome position (GRCh38, 1-based): chr14:56,802,170, G>T on the plus strand (C>A on the coding strand, the complement: OTX2 is on the minus strand). VCF-style: chr14-56802170-G-T. GRCh37 (hg19) VCF-style: chr14-57268888-G-T.
Other names: c.435C>A, p.Ser145Arg (NM_001270523.2, NM_001270524.2, NM_172337.3); c.459C>A, p.Ser153Arg (NM_001270525.2); short protein forms S145R, S153R.
Identifiers: ClinVar variation 2644256 (VCV002644256.24), dbSNP rs34537598, ClinGen allele CA390051824.